The following is an entry in ClinVar:

NM_000393.5(COL5A2):c.419A>C (p.Gln140Pro)

Gene: COL5A2 (collagen type V alpha 2 chain; minus strand). Cytogenetic location: 2q32.2.
Variant type: single nucleotide variant.
Coding change: c.419A>C on transcript NM_000393.5 (MANE Select); coding-DNA position 419, A replaced by C.
Protein change: p.Gln140Pro; replaces glutamine 140 with proline.
Molecular consequence: missense variant.
Genome position (GRCh38, 1-based): chr2:189,097,314, T>G on the plus strand (A>C on the coding strand, the complement: COL5A2 is on the minus strand). VCF-style: chr2-189097314-T-G. GRCh37 (hg19) VCF-style: chr2-189962040-T-G.
Other names: short protein forms Q140P.
Identifiers: ClinVar variation 3360561 (VCV003360561.4).

ClinVar aggregate classification (germline): Uncertain significance. Review status: criteria provided, multiple submitters, no conflicts (2 of 4 stars). 3 submissions from 3 submitters: Uncertain significance (3). Last evaluated 2026-08-24.

Conditions:
Familial thoracic aortic aneurysm and aortic dissection (TAAD). Also called: Thoracic aortic aneurysms and dissections. Identifiers: Orphanet 91387, MedGen C4707243, MONDO:0019625.
Ehlers-Danlos syndrome, classic type, 1 (EDSCL1). Also called: EDS I; Ehlers-Danlos Syndrome, Classic Type, COL5A1-Related; EHLERS-DANLOS SYNDROME, GRAVIS TYPE; EHLERS-DANLOS SYNDROME, SEVERE CLASSIC TYPE; Ehlers-Danlos syndrome, type 1. Identifiers: MedGen C0268335, MONDO:0019567, OMIM 130000.

gnomAD v4.1: 2 of 1,614,132 alleles (0.00012%); highest among the groups gnomAD compares: Non-Finnish European, 0.00017%; no homozygotes.

Submissions (3):

Ambry Genetics
Classification: Uncertain significance for Familial thoracic aortic aneurysm and aortic dissection. Last evaluated: 2026-08-24. Review status: criteria provided, single submitter. Criteria: Ambry Variant Classification Scheme 2023. Collection method: clinical testing. Allele origin: germline.
Comment: The p.Q140P variant (also known as c.419A>C), located in coding exon 6 of the COL5A2 gene, results from an A to C substitution at nucleotide position 419. The glutamine at codon 140 is replaced by proline, an amino acid with similar properties. This amino acid position is conserved. In addition, the in silico prediction for this alteration is inconclusive. Based on the available evidence, the clinical significance of this variant remains unclear.

Labcorp Genetics (formerly Invitae), Labcorp
Classification: Uncertain significance for Ehlers-Danlos syndrome, classic type, 1. Last evaluated: 2026-01-12. Review status: criteria provided, single submitter. Criteria: Invitae Variant Classification Sherloc (09022015). Collection method: clinical testing. Allele origin: germline.
Comment: This sequence change replaces glutamine, which is neutral and polar, with proline, which is neutral and non-polar, at codon 140 of the COL5A2 protein (p.Gln140Pro). This variant is present in population databases (no rsID available, gnomAD 0.002%). This variant has not been reported in the literature in individuals affected with COL5A2-related conditions. ClinVar contains an entry for this variant (Variation ID: 3360561). Invitae Evidence Modeling of protein sequence and biophysical properties (such as structural, functional, and spatial information, amino acid conservation, physicochemical variation, residue mobility, and thermodynamic stability) indicates that this missense variant is not expected to disrupt COL5A2 protein function with a negative predictive value of 80%. In summary, the available evidence is currently insufficient to determine the role of this variant in disease. Therefore, it has been classified as a Variant of Uncertain Significance.

GeneDx
Classification: Uncertain significance. Last evaluated: 2023-06-29. Review status: criteria provided, single submitter. Criteria: GeneDx Variant Classification Process June 2021. Collection method: clinical testing. Allele origin: germline. Affected: yes.
Comment: Has not been previously published as pathogenic or benign to our knowledge; Not observed at significant frequency in large population cohorts (gnomAD); In silico analysis supports that this missense variant does not alter protein structure/function; Not located in the triple helical region, where the majority of pathogenic missense variants occur (Symoens et al., 2012; HGMD)